The following is an entry in ClinVar:

NM_014714.4(IFT140):c.2021C>T (p.Pro674Leu)

Gene: IFT140 (intraflagellar transport 140; minus strand). Cytogenetic location: 16p13.3.
Variant type: single nucleotide variant.
Coding change: c.2021C>T on transcript NM_014714.4 (MANE Select); coding-DNA position 2021, C replaced by T.
Protein change: p.Pro674Leu; replaces proline 674 with leucine.
Molecular consequence: missense variant.
Genome position (GRCh38, 1-based): chr16:1,564,043, G>A on the plus strand (C>T on the coding strand, the complement: IFT140 is on the minus strand). VCF-style: chr16-1564043-G-A. GRCh37 (hg19) VCF-style: chr16-1614044-G-A.
Other names: short protein forms P674L.
Identifiers: ClinVar variation 1043089 (VCV001043089.7), dbSNP rs1240961381, ClinGen allele CA394204853.

ClinVar aggregate classification (germline): Uncertain significance (1 of 4 stars; one submission).

Conditions:
Saldino-Mainzer syndrome (SRTD9). Also called: CONORENAL SYNDROME; Renal dysplasia, retinal pigmentary dystrophy, cerebellar ataxia and skeletal dysplasia; short-rib thoracic dysplasia 9 with or without polydactyly; SHORT-RIB THORACIC DYSPLASIA 9 WITHOUT POLYDACTYLY. Identifiers: Orphanet 140969, MedGen C1849437, MONDO:0009964, OMIM 266920.

Allele frequency attached by ClinVar (database versions not stated): gnomAD exomes below 0.00001.
gnomAD v4.1: 3 of 1,599,970 alleles (0.00019%); highest among the groups gnomAD compares: African/African-American, 0.0027%; no homozygotes.

Submission:

Labcorp Genetics (formerly Invitae), Labcorp
Classification: Uncertain significance for Saldino-Mainzer syndrome. Last evaluated: 2025-10-12. Review status: criteria provided, single submitter. Criteria: Invitae Variant Classification Sherloc (09022015). Collection method: clinical testing. Allele origin: germline.
Comment: This sequence change replaces proline, which is neutral and non-polar, with leucine, which is neutral and non-polar, at codon 674 of the IFT140 protein (p.Pro674Leu). This variant is present in population databases (no rsID available, gnomAD 0.007%). This variant has not been reported in the literature in individuals affected with IFT140-related conditions. ClinVar contains an entry for this variant (Variation ID: 1043089). Invitae Evidence Modeling of protein sequence and biophysical properties (such as structural, functional, and spatial information, amino acid conservation, physicochemical variation, residue mobility, and thermodynamic stability) indicates that this missense variant is not expected to disrupt IFT140 protein function with a negative predictive value of 95%. In summary, the available evidence is currently insufficient to determine the role of this variant in disease. Therefore, it has been classified as a Variant of Uncertain Significance.